The following is an entry in ClinVar:

ClinVar aggregate classification (germline): Likely pathogenic (1 of 4 stars; one submission).

Conditions:
Dilated cardiomyopathy 1G (CMD1G). Identifiers: Orphanet 154, MedGen C1858763, MONDO:0011400, OMIM 604145.
Autosomal recessive limb-girdle muscular dystrophy type 2J (LGMDR10). Also called: Limb-girdle muscular dystrophy, type 2J; MUSCULAR DYSTROPHY, LIMB-GIRDLE, AUTOSOMAL RECESSIVE 10. Identifiers: Orphanet 140922, MedGen C1837342, MONDO:0012127, OMIM 608807.

Submission:

Labcorp Genetics (formerly Invitae), Labcorp
Classification: Likely pathogenic for Dilated cardiomyopathy 1G; Autosomal recessive limb-girdle muscular dystrophy type 2J. Last evaluated: 2023-05-04. Review status: criteria provided, single submitter. Criteria: Invitae Variant Classification Sherloc (09022015). Collection method: clinical testing. Allele origin: germline.
Comment: This sequence change creates a premature translational stop signal (p.Lys20841*) in the TTN gene. While this is not anticipated to result in nonsense mediated decay, it is expected to create a truncated TTN protein. In summary, the currently available evidence indicates that the variant is pathogenic, but additional data are needed to prove that conclusively. Therefore, this variant has been classified as Likely Pathogenic. This variant is located in the A band of TTN (PMID: 25589632). Truncating variants in this region are significantly overrepresented in patients affected with dilated cardiomyopathy (PMID: 25589632). Truncating variants in this region have also been reported in individuals affected with autosomal recessive centronuclear myopathy (PMID: 23975875). This variant has not been reported in the literature in individuals affected with TTN-related conditions. This variant is not present in population databases (gnomAD no frequency).

Literature cited by the submitters: PubMed 25589632; PubMed 23975875.

NM_001267550.2(TTN):c.62519dup (p.Gly20840_Lys20841insTer)

Genes: TTN (titin; minus strand), TTN-AS1 (TTN antisense RNA 1; plus strand). Cytogenetic location: 2q31.2.
Variant type: Duplication.
Coding change: c.62519dup on transcript NM_001267550.2 (MANE Select); coding-DNA position 62519, one base duplicated (G; older notation c.62519dupG).
Protein change: p.Gly20840_Lys20841insTer.
Molecular consequence: frameshift variant.
Genome position (GRCh38, 1-based): chr2:178,589,206, C duplicated on the plus strand (G on the coding strand, the reverse complement: TTN is on the minus strand); the first of 5 consecutive C bases (chr2:178,589,206-178,589,210); duplicating any one gives the same sequence. VCF-style (leftmost placement, unchanged base first): chr2-178589205-A-AC. GRCh37 (hg19) VCF-style: chr2-179453932-A-AC.
Other names: c.57596dup, p.Gly19199_Lys19200insTer (NM_001256850.1); c.35324dup, p.Gly11775_Lys11776insTer (NM_003319.4); c.54815dup, p.Gly18272_Lys18273insTer (NM_133378.4); c.35699dup, p.Gly11900_Lys11901insTer (NM_133432.3); c.35900dup, p.Gly11967_Lys11968insTer (NM_133437.4).
Identifiers: ClinVar variation 2947463 (VCV002947463.3), dbSNP rs2469382681, ClinGen allele CA2740096077.